The following is an entry in ClinVar:

NM_014423.4(AFF4):c.1631G>A (p.Arg544His)

Gene: AFF4 (ALF transcription elongation factor 4; minus strand). Cytogenetic location: 5q31.1.
Variant type: single nucleotide variant.
Coding change: c.1631G>A on transcript NM_014423.4 (MANE Select); coding-DNA position 1631, G replaced by A.
Protein change: p.Arg544His; replaces arginine 544 with histidine.
Molecular consequence: missense variant.
Genome position (GRCh38, 1-based): chr5:132,896,999, C>T on the plus strand (G>A on the coding strand, the complement: AFF4 is on the minus strand). VCF-style: chr5-132896999-C-T. GRCh37 (hg19) VCF-style: chr5-132232691-C-T.
Other names: short protein forms R544H.
Identifiers: ClinVar variation 2982255 (VCV002982255.3), dbSNP rs561102636, ClinGen allele CA3409057.

ClinVar aggregate classification (germline): Uncertain significance (1 of 4 stars; one submission).

Conditions:
Cognitive impairment - coarse facies - heart defects - obesity - pulmonary involvement - short stature - skeletal dysplasia syndrome. Also called: COGNITIVE IMPAIRMENT, COARSE FACIES, HEART DEFECTS, OBESITY, PULMONARY INVOLVEMENT, SHORT STATURE, AND SKELETAL DYSPLASIA; Chops syndrome; AFF4-Related CHOPS Syndrome. Identifiers: Orphanet 444077, MedGen C4085597, MONDO:0014609, OMIM 616368.

Allele frequency attached by ClinVar (database versions not stated): gnomAD exomes below 0.00001; ExAC 0.00001; gnomAD 0.00001; TOPMed 0.00001.
gnomAD v4.1: 4 of 1,614,072 alleles (0.00025%); highest among the groups gnomAD compares: Non-Finnish European, 0.00025%; no homozygotes.

Submission:

Labcorp Genetics (formerly Invitae), Labcorp
Classification: Uncertain significance for Cognitive impairment - coarse facies - heart defects - obesity - pulmonary involvement - short stature - skeletal dysplasia syndrome. Last evaluated: 2023-05-09. Review status: criteria provided, single submitter. Criteria: Invitae Variant Classification Sherloc (09022015). Collection method: clinical testing. Allele origin: germline.
Comment: In summary, the available evidence is currently insufficient to determine the role of this variant in disease. Therefore, it has been classified as a Variant of Uncertain Significance. Advanced modeling of protein sequence and biophysical properties (such as structural, functional, and spatial information, amino acid conservation, physicochemical variation, residue mobility, and thermodynamic stability) has been performed at Invitae for this missense variant, however the output from this modeling did not meet the statistical confidence thresholds required to predict the impact of this variant on AFF4 protein function. This variant has not been reported in the literature in individuals affected with AFF4-related conditions. This variant is present in population databases (rs561102636, gnomAD 0.0009%). This sequence change replaces arginine, which is basic and polar, with histidine, which is basic and polar, at codon 544 of the AFF4 protein (p.Arg544His).